The following is an entry in ClinVar:

ClinVar aggregate classification (germline): Likely benign. Review status: criteria provided, multiple submitters, no conflicts (2 of 4 stars). 4 submissions from 4 submitters: Likely benign (4). Last evaluated 2025-08-29.

Conditions:
Combined oxidative phosphorylation defect type 27. Also called: Combined oxidative phosphorylation deficiency 27. Identifiers: Orphanet 477774, MedGen C5567608, MONDO:0014728, OMIM 616672.

Allele frequency attached by ClinVar (database versions not stated): gnomAD 0.00004 and 0.00005; TOPMed 0.00004; gnomAD exomes 0.00006; ESP Exome Variant Server 0.00008; 1000 Genomes Project 30x 0.00016; 1000 Genomes Project 0.00020.
gnomAD v4.1: 92 of 1,613,348 alleles (0.0057%); highest among the groups gnomAD compares: Middle Eastern, 0.017%; 1 homozygote.

Submissions (4):

Labcorp Genetics (formerly Invitae), Labcorp
Classification: Likely benign for Combined oxidative phosphorylation defect type 27. Last evaluated: 2025-08-29. Review status: criteria provided, single submitter. Criteria: Invitae Variant Classification Sherloc (09022015). Collection method: clinical testing. Allele origin: germline.

Blueprint Genetics
Classification: Likely benign. Last evaluated: 2023-12-28. Review status: criteria provided, single submitter. Criteria: ACMG Guidelines, 2015. Collection method: clinical testing. Allele origin: germline.

CeGaT Center for Human Genetics Tuebingen
Classification: Likely benign. Last evaluated: 2022-06-01. Review status: criteria provided, single submitter. Criteria: CeGaT Center For Human Genetics Tuebingen Variant Classification Criteria Version 2. Collection method: clinical testing. Allele origin: germline. Affected: yes. Observed: 1 variant allele.
Comment: CARS2: BP4, BP7

GeneDx
Classification: Likely benign. Last evaluated: 2017-05-25. Review status: criteria provided, single submitter. Criteria: GeneDx Variant Classification (06012015). Collection method: clinical testing. Allele origin: germline. Affected: yes.
Comment: This variant is considered likely benign or benign based on one or more of the following criteria: it is a conservative change, it occurs at a poorly conserved position in the protein, it is predicted to be benign by multiple in silico algorithms, and/or has population frequency not consistent with disease.

NM_024537.4(CARS2):c.1011C>T (p.Pro337=)

Gene: CARS2 (cysteinyl-tRNA synthetase 2, mitochondrial; minus strand). Cytogenetic location: 13q34.
Variant type: single nucleotide variant.
Coding change: c.1011C>T on transcript NM_024537.4 (MANE Select); coding-DNA position 1011, C replaced by T.
Protein change: p.Pro337=; no amino-acid change (proline 337 retained).
Molecular consequence: synonymous variant. On other transcripts: non-coding transcript variant (2).
Genome position (GRCh38, 1-based): chr13:110,651,077, G>A on the plus strand (C>T on the coding strand, the complement: CARS2 is on the minus strand). VCF-style: chr13-110651077-G-A. GRCh37 (hg19) VCF-style: chr13-111303424-G-A.
Other names: c.225C>T, p.Pro75= (NM_001352252.2).
Identifiers: ClinVar variation 475610 (VCV000475610.36), dbSNP rs142857490, ClinGen allele CA7051980.